The following is an entry in ClinVar:

NM_001267550.2(TTN):c.106388G>C (p.Gly35463Ala)

Genes: TTN (titin; minus strand), TTN-AS1 (TTN antisense RNA 1; plus strand). Cytogenetic location: 2q31.2.
Variant type: single nucleotide variant.
Coding change: c.106388G>C on transcript NM_001267550.2 (MANE Select); coding-DNA position 106388, G replaced by C.
Protein change: p.Gly35463Ala; replaces glycine 35463 with alanine.
Molecular consequence: missense variant.
Genome position (GRCh38, 1-based): chr2:178,530,103, C>G on the plus strand (G>C on the coding strand, the complement: TTN is on the minus strand). VCF-style: chr2-178530103-C-G. GRCh37 (hg19) VCF-style: chr2-179394830-C-G.
Other names: c.101465G>C, p.Gly33822Ala (NM_001256850.1); c.79193G>C, p.Gly26398Ala (NM_003319.4); c.98684G>C, p.Gly32895Ala (NM_133378.4); c.79568G>C, p.Gly26523Ala (NM_133432.3); c.79769G>C, p.Gly26590Ala (NM_133437.4); c.106388G>C (LRG_391t1); short protein forms G35463A, G26398A, G33822A, G26590A, G32895A, G26523A.
Identifiers: ClinVar variation 586862 (VCV000586862.16), dbSNP rs373369136, ClinGen allele CA1985112.
Genomic context (GRCh38, chr2:178,530,103, plus strand): 5'-TCAGTCTTATGAATTTCTAAGAAGAACCCTCCCTTGTCTTCAGAGAGTTTATATTTACCT[C>G]CTTGTGTAATGGCCTGTAGAATGCAAATGATTTGTGTTTTAAAAAGTGATTTCATTTTAA-3'
Protein context (NP_001254479.2, residues 35453-35473): WTKDGKAITQ[Gly35463Ala]GKYKLSEDKG

ClinVar aggregate classification (germline): Uncertain significance. Review status: criteria provided, multiple submitters, no conflicts (2 of 4 stars). 6 submissions from 6 submitters: Uncertain significance (6). Last evaluated 2026-02-19.

Conditions:
Autosomal recessive limb-girdle muscular dystrophy type 2J (LGMDR10). Also called: MUSCULAR DYSTROPHY, LIMB-GIRDLE, AUTOSOMAL RECESSIVE 10; Limb-girdle muscular dystrophy, type 2J. Identifiers: Orphanet 140922, MedGen C1837342, MONDO:0012127, OMIM 608807.
Dilated cardiomyopathy 1G (CMD1G). Identifiers: Orphanet 154, MedGen C1858763, MONDO:0011400, OMIM 604145.
TTN-related disorder. Also called: TTN-related condition; TTN-related disease; TTN-related disorders.
Hypertrophic cardiomyopathy 9. Also called: Familial hypertrophic cardiomyopathy 9. Identifiers: MedGen C1861065, MONDO:0013412, OMIM 613765.
Early-onset myopathy with fatal cardiomyopathy (CMYO5). Also called: CONGENITAL MYOPATHY 5 WITH CARDIOMYOPATHY; Salih Myopathy. Identifiers: Orphanet 289377, MedGen C2673677, MONDO:0012714, OMIM 611705. Disease mechanism: loss of function.
Myopathy, myofibrillar, 9, with early respiratory failure (MFM9). Also called: Myopathy, distal, with early respiratory failure, autosomal dominant; Hereditary myopathy with early respiratory failure; EDSTROM MYOPATHY; MYOPATHY, PROXIMAL, WITH EARLY RESPIRATORY MUSCLE INVOLVEMENT. Identifiers: Orphanet 178464, Orphanet 34521, MedGen C1863599, MONDO:0011362, OMIM 603689.
Tibial muscular dystrophy (TMD). Also called: Tibial muscular dystrophy, tardive; Udd Distal Myopathy – Tibial Muscular Dystrophy; UDD MYOPATHY. Identifiers: Orphanet 609, MedGen C1838244, MONDO:0010870, OMIM 600334.
Cardiovascular phenotype. Identifiers: MedGen CN230736.

Allele frequency attached by ClinVar (database versions not stated): gnomAD exomes 0.00002 and 0.00007; ExAC 0.00004; TOPMed 0.00004; gnomAD 0.00005; ESP Exome Variant Server 0.00017.
gnomAD v4.1: 105 of 1,601,592 alleles (0.0066%); highest among the groups gnomAD compares: Non-Finnish European, 0.0086%; no homozygotes.

Submissions (6):

PreventionGenetics, part of Exact Sciences
Classification: Uncertain significance for TTN-related condition. Last evaluated: 2026-02-19. Review status: criteria provided, single submitter. Criteria: ACMG Guidelines, 2015. Collection method: clinical testing. Allele origin: germline.
Comment: The TTN c.106388G>C variant is predicted to result in the amino acid substitution p.Gly35463Ala. This variant is predicted to possibly alter splicing based on available splicing prediction programs (SpliceAI, Jaganathan et al. 2019. PubMed ID: 30661751). However, the use of computer prediction programs is not equivalent to functional evidence. To our knowledge, this variant has not been reported in the literature. This variant is reported in 0.0084% of alleles in individuals of African descent in gnomAD. At this time, the clinical significance of this variant is uncertain due to the absence of conclusive functional and genetic evidence.

Labcorp Genetics (formerly Invitae), Labcorp
Classification: Uncertain significance for Dilated cardiomyopathy 1G; Autosomal recessive limb-girdle muscular dystrophy type 2J. Last evaluated: 2026-01-11. Review status: criteria provided, single submitter. Criteria: Invitae Variant Classification Sherloc (09022015). Collection method: clinical testing. Allele origin: germline.
Comment: This sequence change replaces glycine, which is neutral and non-polar, with alanine, which is neutral and non-polar, at codon 35463 of the TTN protein (p.Gly35463Ala). This variant is present in population databases (rs373369136, gnomAD 0.008%). This missense change has been observed in individual(s) with clinical features of dilated cardiomyopathy (internal data). ClinVar contains an entry for this variant (Variation ID: 586862). Experimental studies and prediction algorithms are not available or were not evaluated, and the functional significance of this variant is currently unknown. Algorithms developed to predict the effect of sequence changes on RNA splicing suggest that this variant may disrupt the consensus splice site. This variant is located in the M band of TTN (PMID: 25589632). Non-truncating variants in this region may be relevant for neuromuscular disorders, but have not been definitively shown to cause cardiomyopathy (PMID: 23975875). In summary, the available evidence is currently insufficient to determine the role of this variant in disease. Therefore, it has been classified as a Variant of Uncertain Significance.

Revvity Omics, Revvity
Classification: Uncertain significance. Last evaluated: 2023-03-16. Review status: criteria provided, single submitter. Criteria: ACMG Guidelines, 2015. Collection method: clinical testing. Allele origin: germline.

Fulgent Genetics
Classification: Uncertain significance for Tibial muscular dystrophy; Myopathy, myofibrillar, 9, with early respiratory failure; Dilated cardiomyopathy 1G; Autosomal recessive limb-girdle muscular dystrophy type 2J; Early-onset myopathy with fatal cardiomyopathy; Hypertrophic cardiomyopathy 9. Last evaluated: 2021-09-30. Review status: criteria provided, single submitter. Criteria: ACMG Guidelines, 2015. Collection method: clinical testing. Allele origin: unknown.

Ambry Genetics
Classification: Uncertain significance for Cardiovascular phenotype. Last evaluated: 2018-10-31. Review status: criteria provided, single submitter. Criteria: Ambry Variant Classification Scheme 2023. Collection method: clinical testing. Allele origin: germline.
Comment: The p.G26398A variant (also known as c.79193G>C), located in coding exon 186 of the TTN gene, results from a G to C substitution at nucleotide position 79193. The glycine at codon 26398 is replaced by alanine, an amino acid with similar properties. This amino acid position is well conserved in available vertebrate species. In addition, this alteration is predicted to be tolerated by in silico analysis. Since supporting evidence is limited at this time, the clinical significance of this alteration remains unclear.

Athena Diagnostics
Classification: Uncertain significance. Last evaluated: 2018-02-09. Review status: criteria provided, single submitter. Criteria: Athena Diagnostics Criteria. Collection method: clinical testing. Allele origin: germline.

Literature cited by the submitters: PubMed 25589632 (cited by Labcorp Genetics (formerly Invitae), Labcorp); PubMed 23975875 (cited by Labcorp Genetics (formerly Invitae), Labcorp).